The following is an entry in ClinVar:

NM_198576.4(AGRN):c.3068G>A (p.Arg1023Gln)

Gene: AGRN (agrin; plus strand). Cytogenetic location: 1p36.33.
Variant type: single nucleotide variant.
Coding change: c.3068G>A on transcript NM_198576.4 (MANE Select); coding-DNA position 3068, G replaced by A.
Protein change: p.Arg1023Gln; replaces arginine 1023 with glutamine.
Molecular consequence: missense variant.
Genome position (GRCh38, 1-based): chr1:1,046,553, G>A. VCF-style: chr1-1046553-G-A. GRCh37 (hg19) VCF-style: chr1-981933-G-A.
Other names: c.3068G>A, p.Arg1023Gln (NM_001305275.2); c.2753G>A, p.Arg918Gln (NM_001364727.2); c.3068G>A (NM_198576.3); short protein forms R1023Q, R918Q.
Identifiers: ClinVar variation 1383194 (VCV001383194.9), dbSNP rs775442981, ClinGen allele CA508941.

ClinVar aggregate classification (germline): Conflicting classifications of pathogenicity. Review status: criteria provided, conflicting classifications (1 of 4 stars). 2 submissions from 2 submitters: Uncertain significance (1); Likely benign (1). Last evaluated 2024-12-13.

Conditions:
Congenital myasthenic syndrome 8. Also called: MYASTHENIC SYNDROME, CONGENITAL, DUE TO AGRIN DEFICIENCY; Myasthenic syndrome, congenital, 8, with pre- and postsynaptic defects. Identifiers: Orphanet 590, MedGen C3808739, MONDO:0014052, OMIM 615120.
Inborn genetic diseases. Identifiers: MedGen C0950123, MeSH D030342.

Allele frequency attached by ClinVar (database versions not stated): gnomAD exomes 0.00001 and 0.00002; ExAC 0.00002.
gnomAD v4.1: 16 of 1,608,942 alleles (0.00099%); highest among the groups gnomAD compares: Admixed American, 0.0017%; no homozygotes.

Submissions (2):

Ambry Genetics
Classification: Likely benign for Inborn genetic diseases. Last evaluated: 2024-12-13. Review status: criteria provided, single submitter. Criteria: Ambry Variant Classification Scheme 2023. Collection method: clinical testing. Allele origin: germline.

Labcorp Genetics (formerly Invitae), Labcorp
Classification: Uncertain significance for Congenital myasthenic syndrome 8. Last evaluated: 2022-08-24. Review status: criteria provided, single submitter. Criteria: Invitae Variant Classification Sherloc (09022015). Collection method: clinical testing. Allele origin: germline.
Comment: In summary, the available evidence is currently insufficient to determine the role of this variant in disease. Therefore, it has been classified as a Variant of Uncertain Significance. Algorithms developed to predict the effect of missense changes on protein structure and function output the following: SIFT: "Tolerated"; PolyPhen-2: "Benign"; Align-GVGD: "Class C0". The glutamine amino acid residue is found in multiple mammalian species, which suggests that this missense change does not adversely affect protein function. ClinVar contains an entry for this variant (Variation ID: 1383194). This variant has not been reported in the literature in individuals affected with AGRN-related conditions. This variant is present in population databases (rs775442981, gnomAD 0.005%). This sequence change replaces arginine, which is basic and polar, with glutamine, which is neutral and polar, at codon 1023 of the AGRN protein (p.Arg1023Gln).